The following is an entry in ClinVar:

NM_024740.2(ALG9):c.1352C>G (p.Pro451Arg)

Gene: ALG9 (ALG9 alpha-1,2-mannosyltransferase; minus strand). Cytogenetic location: 11q23.1.
Variant type: single nucleotide variant.
Coding change: c.1352C>G on transcript NM_024740.2 (MANE Select); coding-DNA position 1352, C replaced by G.
Protein change: p.Pro451Arg; replaces proline 451 with arginine.
Molecular consequence: missense variant. On other transcripts: non-coding transcript variant (1).
Genome position (GRCh38, 1-based): chr11:111,837,588, G>C on the plus strand (C>G on the coding strand, the complement: ALG9 is on the minus strand). VCF-style: chr11-111837588-G-C. GRCh37 (hg19) VCF-style: chr11-111708311-G-C.
Other names: c.1331C>G, p.Pro444Arg (NM_001077690.1, NM_001352417.1); c.839C>G, p.Pro280Arg (NM_001077691.2, NM_001352413.1, NM_001352414.2 and 1 more transcripts); c.818C>G, p.Pro273Arg (NM_001077692.2, NM_001352409.1, NM_001352410.1 and 6 more transcripts); c.1208C>G, p.Pro403Arg (NM_001352418.1); c.743C>G, p.Pro248Arg (NM_001352422.2); c.695C>G, p.Pro232Arg (NM_001352423.2); short protein forms P273R, P444R, P232R, P280R, P403R, P451R, P248R.
Identifiers: ClinVar variation 2014845 (VCV002014845.4), dbSNP rs782500957, ClinGen allele CA6274441.
Genomic context (GRCh38, chr11:111,837,588, plus strand): 5'-ACAGGTCTGCCTTCTGGGACAGTGTGGATGGTTGGGTCTGTAGCAATTCGGTAAAATTCT[G>C]GATACAAATCAAGGGGCCCGTGATATCCTGGAAGGGAGAACAGTTAGTGAGAGCCAGAGA-3'
Protein context (NP_079016.2, residues 441-461): RGYHGPLDLY[Pro451Arg]EFYRIATDPT

ClinVar aggregate classification (germline): Uncertain significance (1 of 4 stars; one submission).

Conditions:
ALG9 congenital disorder of glycosylation (CDG1L). Also called: CONGENITAL DISORDER OF GLYCOSYLATION, TYPE Il; CDG Il; ALG9-CDG. Identifiers: Orphanet 79328, MedGen C2931006, MONDO:0012117, OMIM 608776.

Allele frequency attached by ClinVar (database versions not stated): ExAC 0.00001.
gnomAD v4.1: 1 of 1,614,074 alleles (0.000062%); highest among the groups gnomAD compares: Admixed American, 0.0017%; no homozygotes.

Submission:

Labcorp Genetics (formerly Invitae), Labcorp
Classification: Uncertain significance for ALG9 congenital disorder of glycosylation. Last evaluated: 2022-10-25. Review status: criteria provided, single submitter. Criteria: Invitae Variant Classification Sherloc (09022015). Collection method: clinical testing. Allele origin: germline.
Comment: This sequence change replaces proline, which is neutral and non-polar, with arginine, which is basic and polar, at codon 451 of the ALG9 protein (p.Pro451Arg). This variant is present in population databases (rs782500957, gnomAD 0.003%). This variant has not been reported in the literature in individuals affected with ALG9-related conditions. Experimental studies and prediction algorithms are not available or were not evaluated, and the functional significance of this variant is currently unknown. In summary, the available evidence is currently insufficient to determine the role of this variant in disease. Therefore, it has been classified as a Variant of Uncertain Significance.